The following is an entry in ClinVar:

NM_147127.5(EVC2):c.1045A>G (p.Thr349Ala)

Gene: EVC2 (EvC ciliary complex subunit 2; minus strand). Cytogenetic location: 4p16.2.
Variant type: single nucleotide variant.
Coding change: c.1045A>G on transcript NM_147127.5 (MANE Select); coding-DNA position 1045, A replaced by G.
Protein change: p.Thr349Ala; replaces threonine 349 with alanine.
Molecular consequence: missense variant.
Genome position (GRCh38, 1-based): chr4:5,663,207, T>C on the plus strand (A>G on the coding strand, the complement: EVC2 is on the minus strand). VCF-style: chr4-5663207-T-C. GRCh37 (hg19) VCF-style: chr4-5664934-T-C.
Other names: c.805A>G, p.Thr269Ala (NM_001166136.2); short protein forms T269A, T349A.
Identifiers: ClinVar variation 3749157 (VCV003749157.2).

ClinVar aggregate classification (germline): Uncertain significance (1 of 4 stars; one submission).

Conditions:
Ellis-van Creveld syndrome (EVC). Also called: EVC-Related Ellis-van Creveld Syndrome; EVC2-Related Ellis-van Creveld Syndrome; MESOECTODERMAL DYSPLASIA; Chondroectodermal dysplasia. Identifiers: Orphanet 289, MedGen C0013903, MONDO:0009162, OMIM 225500.
Curry-Hall syndrome (WAD). Also called: WEYERS ACRODENTAL DYSOSTOSIS. Identifiers: Orphanet 952, MedGen C0457013, MONDO:0008673, OMIM 193530.

Submission:

Labcorp Genetics (formerly Invitae), Labcorp
Classification: Uncertain significance for Curry-Hall syndrome; Ellis-van Creveld syndrome. Last evaluated: 2024-09-16. Review status: criteria provided, single submitter. Criteria: Invitae Variant Classification Sherloc (09022015). Collection method: clinical testing. Allele origin: germline.
Comment: This sequence change replaces threonine, which is neutral and polar, with alanine, which is neutral and non-polar, at codon 349 of the EVC2 protein (p.Thr349Ala). This variant is not present in population databases (gnomAD no frequency). This variant has not been reported in the literature in individuals affected with EVC2-related conditions. An algorithm developed to predict the effect of missense changes on protein structure and function outputs the following: PolyPhen-2: "Benign". The alanine amino acid residue is found in multiple mammalian species, which suggests that this missense change does not adversely affect protein function. In summary, the available evidence is currently insufficient to determine the role of this variant in disease. Therefore, it has been classified as a Variant of Uncertain Significance.